The following is an entry in ClinVar:

ClinVar aggregate classification (germline): Uncertain significance. Review status: criteria provided, multiple submitters, no conflicts (2 of 4 stars). 2 submissions from 2 submitters: Uncertain significance (2). Last evaluated 2015-10-01.

Conditions:
Cardiovascular phenotype. Identifiers: MedGen CN230736.

Allele frequency attached by ClinVar (database versions not stated): TOPMed 0.00002.
gnomAD v4.1: 2 of 1,613,840 alleles (0.00012%); highest among the groups gnomAD compares: African/African-American, 0.0013%; no homozygotes.

Submissions (2):

Ambry Genetics
Classification: Uncertain significance for Cardiovascular phenotype. Last evaluated: 2015-10-01. Review status: criteria provided, single submitter. Criteria: Ambry Variant Classification Scheme 2023. Collection method: clinical testing. Allele origin: germline.
Comment: The p.D1572Y variant (also known as c.4714G>T), located in coding exon 26 of the TTN gene, results from a G to T substitution at nucleotide position 4714. The aspartic acid at codon 1572 is replaced by tyrosine, an amino acid with highly dissimilar properties. This variant was not reported in population based cohorts in the following databases: Database of Single Nucleotide Polymorphisms (dbSNP), NHLBI Exome Sequencing Project (ESP), and 1000 Genomes Project. In the ESP, this variant was not observed in 6497 samples (12994 alleles) with coverage at this position. This amino acid position is well conserved mammals but not in all available vertebrate species. In addition, the in silico prediction for this alteration is inconclusive. Since supporting evidence is limited at this time, the clinical significance of this variant remains unclear.

Eurofins Ntd Llc (ga)
Classification: Uncertain significance. Last evaluated: 2015-03-06. Review status: criteria provided, single submitter. Criteria: EGL Classification Definitions 2015. Collection method: clinical testing. Allele origin: germline. Observed: 1 variant allele, 1 homozygote.

NM_001267550.2(TTN):c.4852G>T (p.Asp1618Tyr)

Genes: TTN (titin; minus strand), LOC101927055 (uncharacterized LOC101927055; plus strand). Cytogenetic location: 2q31.2.
Variant type: single nucleotide variant.
Coding change: c.4852G>T on transcript NM_001267550.2 (MANE Select); coding-DNA position 4852, G replaced by T.
Protein change: p.Asp1618Tyr; replaces aspartic acid 1618 with tyrosine.
Molecular consequence: missense variant. On other transcripts: non-coding transcript variant (1).
Genome position (GRCh38, 1-based): chr2:178,777,012, C>A on the plus strand (G>T on the coding strand, the complement: TTN is on the minus strand). VCF-style: chr2-178777012-C-A. GRCh37 (hg19) VCF-style: chr2-179641739-C-A.
Other names: c.4714G>T, p.Asp1572Tyr (NM_003319.4, NM_133432.3, NM_133437.4); c.4852G>T, p.Asp1618Tyr (NM_001256850.1, NM_133378.4, NM_133379.5); short protein forms D1618Y, D1572Y.
Identifiers: ClinVar variation 196143 (VCV000196143.9), dbSNP rs794727465, ClinGen allele CA242980.